The following is an entry in ClinVar:

NM_001243133.2(NLRP3):c.3005+129T>C

Gene: NLRP3 (NLR family pyrin domain containing 3; plus strand). Cytogenetic location: 1q44.
Variant type: single nucleotide variant.
Coding change: c.3005+129T>C on transcript NM_001243133.2 (MANE Select); 129 bases into the intron after coding-DNA position 3005, T replaced by C.
Molecular consequence: intron variant.
Genome position (GRCh38, 1-based): chr1:247,444,950, T>C. VCF-style: chr1-247444950-T-C. GRCh37 (hg19) VCF-style: chr1-247608252-T-C.
Other names: c.3011+129T>C (NM_004895.5); c.2834+129T>C (NM_001127461.3, NM_001127462.3); c.2663+129T>C (NM_183395.3); c.3005+129T>C (NM_001079821.3).
Identifiers: ClinVar variation 103041 (VCV000103041.2), dbSNP rs199475737, ClinGen allele CA230008.

ClinVar aggregate classification (germline): not provided (0 of 4 stars; one submission).

Allele frequency attached by ClinVar (database versions not stated): gnomAD exomes 0.00004; gnomAD 0.00010 and 0.00013; TOPMed 0.00012; 1000 Genomes Project 30x 0.00047; 1000 Genomes Project 0.00060.
gnomAD v4.1: 49 of 870,804 alleles (0.0056%); highest among the groups gnomAD compares: Middle Eastern, 0.1%; no homozygotes.

Submission:

Human Evolutionary Genetics, Institut Pasteur
No classification provided. Review status: no classification provided. Collection method: not provided. Allele origin: germline.
ClinVar note: Converted during submission from untested to not provided.